The following is an entry in ClinVar:

NM_000260.4(MYO7A):c.5326+13C>T

Gene: MYO7A (myosin VIIA; plus strand). Cytogenetic location: 11q13.5.
Variant type: single nucleotide variant.
Coding change: c.5326+13C>T on transcript NM_000260.4 (MANE Select); 13 bases into the intron after coding-DNA position 5326, C replaced by T.
Molecular consequence: intron variant.
Genome position (GRCh38, 1-based): chr11:77,203,230, C>T. VCF-style: chr11-77203230-C-T. GRCh37 (hg19) VCF-style: chr11-76914275-C-T.
Other names: c.5179+13C>T (NM_001369365.1); c.5212+13C>T (NM_001127180.2).
Identifiers: ClinVar variation 43279 (VCV000043279.22), dbSNP rs114157944, ClinGen allele CA132382.
Genomic context (GRCh38, chr11:77,203,230, plus strand): 5'-TCCTGGGCAGTGAGGAGCTCTCGCAGGAGGCCTGCCTGGCCTTCATTGATATCCGTGCCA[C>T]TGGGCTGTGCCCAGGGGAGCCAGGGACCGGGCAGGGCCTTCGTCTGCACACTGCCTTCCT-3'

ClinVar aggregate classification (germline): Benign/Likely benign. Review status: criteria provided, multiple submitters, no conflicts (2 of 4 stars). 8 submissions from 6 submitters: Benign (6); Likely benign (2). Last evaluated 2026-02-02.

Conditions:
Usher syndrome type 1 (USH1). Also called: RETINITIS PIGMENTOSA AND CONGENITAL DEAFNESS. Identifiers: Orphanet 231169, Orphanet 886, MedGen C1568247, MONDO:0010168, OMIM 276900.
Autosomal recessive nonsyndromic hearing loss 2. Also called: DEAFNESS, AUTOSOMAL RECESSIVE 2; NEUROSENSORY NONSYNDROMIC RECESSIVE DEAFNESS 2. Identifiers: Orphanet 90636, MedGen C1838701, MONDO:0010807, OMIM 600060.
Autosomal dominant nonsyndromic hearing loss 11. Identifiers: Orphanet 90635, MedGen C1832475, MONDO:0011032, OMIM 601317.

Allele frequency attached by ClinVar (database versions not stated): 1000 Genomes Project 30x 0.02670; gnomAD exomes 0.00226 and 0.00503; ExAC 0.01043; gnomAD 0.02290 and 0.02453; ESP Exome Variant Server 0.02372; TOPMed 0.02527; 1000 Genomes Project 0.02636.
gnomAD v4.1: 6,807 of 1,550,146 alleles (0.44%); highest among the groups gnomAD compares: African/African-American, 7.9%; 235 homozygotes.

Submissions (8):

Labcorp Genetics (formerly Invitae), Labcorp
Classification: Benign. Last evaluated: 2026-02-02. Review status: criteria provided, single submitter. Criteria: Invitae Variant Classification Sherloc (09022015). Collection method: clinical testing. Allele origin: germline.

Illumina Laboratory Services, Illumina
Classification: Benign for Usher syndrome type 1. Last evaluated: 2018-01-12. Review status: criteria provided, single submitter. Criteria: ICSL Variant Classification Criteria 13 December 2019. Collection method: clinical testing. Allele origin: germline.
Comment: This variant was observed in the ICSL laboratory as part of a predisposition screen in an ostensibly healthy population. It had not been previously curated by ICSL or reported in the Human Gene Mutation Database (HGMD: prior to June 1st, 2018), and was therefore a candidate for classification through an automated scoring system. Utilizing variant allele frequency, disease prevalence and penetrance estimates, and inheritance mode, an automated score was calculated to assess if this variant is too frequent to cause the disease. Based on the score and internal cut-off values, a variant classified as benign is not then subjected to further curation. The score for this variant resulted in a classification of benign for this disease.

Illumina Laboratory Services, Illumina
Classification: Benign for Autosomal dominant nonsyndromic hearing loss 11. Last evaluated: 2018-01-12. Review status: criteria provided, single submitter. Criteria: ICSL Variant Classification Criteria 13 December 2019. Collection method: clinical testing. Allele origin: germline.
Comment: the same text as in the submission from Illumina Laboratory Services, Illumina above.

Illumina Laboratory Services, Illumina
Classification: Likely benign for Autosomal recessive nonsyndromic hearing loss 2. Last evaluated: 2018-01-12. Review status: criteria provided, single submitter. Criteria: ICSL Variant Classification Criteria 13 December 2019. Collection method: clinical testing. Allele origin: germline.
Comment: This variant was observed in the ICSL laboratory as part of a predisposition screen in an ostensibly healthy population. It had not been previously curated by ICSL or reported in the Human Gene Mutation Database (HGMD: prior to June 1st, 2018), and was therefore a candidate for classification through an automated scoring system. Utilizing variant allele frequency, disease prevalence and penetrance estimates, and inheritance mode, an automated score was calculated to assess if this variant is too frequent to cause the disease. Based on the score and internal cut-off values, a variant classified as likely benign is not then subjected to further curation. The score for this variant resulted in a classification of likely benign for this disease.

GeneDx
Classification: Benign. Last evaluated: 2016-06-23. Review status: criteria provided, single submitter. Criteria: GeneDx Variant Classification Process June 2021. Collection method: clinical testing. Allele origin: germline. Affected: yes.

Laboratory for Molecular Medicine, Mass General Brigham Personalized Medicine
Classification: Benign. Last evaluated: 2012-04-27. Review status: criteria provided, single submitter. Criteria: LMM Criteria. Collection method: clinical testing. Allele origin: germline. Observed: 18 variant alleles.
Comment: 5326+13C>T in intron 38 of MYO7A: This variant is not expected to have clinical significance because it has been identified in 6.8% (219/3202) of African Americ an chromosomes from a broad population by the NHLBI Exome sequencing project (dbSNP rs114157944).

Breakthrough Genomics
Classification: Likely benign. Review status: criteria provided, single submitter. Criteria: ACMG Guidelines, 2015. Collection method: not provided. Allele origin: germline. Inheritance: Autosomal recessive inheritance. Affected: yes.

PreventionGenetics, part of Exact Sciences
Classification: Benign. Review status: criteria provided, single submitter. Criteria: ACMG Guidelines, 2015. Collection method: clinical testing. Allele origin: germline.